The following is an entry in ClinVar:

ClinVar aggregate classification (germline): Uncertain significance (1 of 4 stars; one submission).

Allele frequency attached by ClinVar (database versions not stated): gnomAD exomes below 0.00001.
gnomAD v4.1: 2 of 1,614,156 alleles (0.00012%); highest among the groups gnomAD compares: Non-Finnish European, 0.00017%; no homozygotes.

Submission:

GeneDx
Classification: Uncertain significance. Last evaluated: 2021-06-15. Review status: criteria provided, single submitter. Criteria: GeneDx Variant Classification (06012015). Collection method: clinical testing. Allele origin: germline. Affected: yes.
Comment: Not observed at significant frequency in large population cohorts (Lek et al., 2016) In silico analysis supports that this missense variant does not alter protein structure/function Has not been previously published as pathogenic or benign to our knowledge This variant is associated with the following publications: (PMID: 27535533)

NM_001303256.3(MORC2):c.2503A>G (p.Thr835Ala)

Gene: MORC2 (MORC family CW-type zinc finger 2; minus strand). Cytogenetic location: 22q12.2.
Variant type: single nucleotide variant.
Coding change: c.2503A>G on transcript NM_001303256.3 (MANE Select); coding-DNA position 2503, A replaced by G.
Protein change: p.Thr835Ala; replaces threonine 835 with alanine.
Molecular consequence: missense variant.
Genome position (GRCh38, 1-based): chr22:30,932,908, T>C on the plus strand (A>G on the coding strand, the complement: MORC2 is on the minus strand). VCF-style: chr22-30932908-T-C. GRCh37 (hg19) VCF-style: chr22-31328895-T-C.
Other names: c.2503A>G, p.Thr835Ala (NM_001303257.2); c.2317A>G, p.Thr773Ala (NM_014941.3); short protein forms T773A, T835A.
Identifiers: ClinVar variation 1173039 (VCV001173039.1), dbSNP rs2147242098, ClinGen allele CA411232215.